The following is an entry in ClinVar:

ClinVar aggregate classification (germline): Likely benign. Review status: criteria provided, multiple submitters, no conflicts (2 of 4 stars). 3 submissions from 3 submitters: Likely benign (2). 1 of the submissions does not count toward it. Last evaluated 2025-08-25.

Conditions:
ACTG1-related disorder. Also called: ACTG1-related disorders; ACTG1-related condition.
Baraitser-winter syndrome 2. Identifiers: Orphanet 2995, MedGen C3281235, MONDO:0013812, OMIM 614583.
Autosomal dominant nonsyndromic hearing loss 20. Identifiers: Orphanet 90635, MedGen C1858172, MONDO:0011480, OMIM 604717.

Allele frequency attached by ClinVar (database versions not stated): gnomAD exomes 0.00001.
gnomAD v4.1: 10 of 1,613,962 alleles (0.00062%); highest among the groups gnomAD compares: African/African-American, 0.008%; 1 homozygote.

Submissions (3):

Labcorp Genetics (formerly Invitae), Labcorp
Classification: Likely benign for Baraitser-winter syndrome 2; Autosomal dominant nonsyndromic hearing loss 20. Last evaluated: 2025-08-25. Review status: criteria provided, single submitter. Criteria: Invitae Variant Classification Sherloc (09022015). Collection method: clinical testing. Allele origin: germline.

Blueprint Genetics
Classification: Likely benign. Last evaluated: 2024-09-16. Review status: criteria provided, single submitter. Criteria: ACMG Guidelines, 2015. Collection method: clinical testing. Allele origin: germline.

PreventionGenetics, part of Exact Sciences
Classification: Likely benign for ACTG1-related condition. Last evaluated: 2024-07-27. Review status: no assertion criteria provided. Collection method: clinical testing. Allele origin: germline. Not counted in ClinVar's aggregate classification.
Comment: This variant is classified as likely benign based on ACMG/AMP sequence variant interpretation guidelines (Richards et al. 2015 PMID: 25741868, with internal and published modifications).

NM_001614.5(ACTG1):c.585G>A (p.Glu195=)

Gene: ACTG1 (actin gamma 1; minus strand). Cytogenetic location: 17q25.3.
Variant type: single nucleotide variant.
Coding change: c.585G>A on transcript NM_001614.5 (MANE Select); coding-DNA position 585, G replaced by A.
Protein change: p.Glu195=; no amino-acid change (glutamic acid 195 retained).
Molecular consequence: synonymous variant. On other transcripts: non-coding transcript variant (1).
Genome position (GRCh38, 1-based): chr17:81,511,405, C>T on the plus strand (G>A on the coding strand, the complement: ACTG1 is on the minus strand). VCF-style: chr17-81511405-C-T. GRCh37 (hg19) VCF-style: chr17-79478431-C-T.
Other names: c.585G>A, p.Glu195= (NM_001199954.3); c.585G>A (NM_001614.3).
Identifiers: ClinVar variation 1618378 (VCV001618378.10), dbSNP rs1598548706, ClinGen allele CA502419419.